The following is an entry in ClinVar:

NM_006922.4(SCN3A):c.1385T>A (p.Val462Asp)

Gene: SCN3A (sodium voltage-gated channel alpha subunit 3; minus strand). Cytogenetic location: 2q24.3.
Variant type: single nucleotide variant.
Coding change: c.1385T>A on transcript NM_006922.4 (MANE Select); coding-DNA position 1385, T replaced by A.
Protein change: p.Val462Asp; replaces valine 462 with aspartic acid.
Molecular consequence: missense variant.
Genome position (GRCh38, 1-based): chr2:165,147,025, A>T on the plus strand (T>A on the coding strand, the complement: SCN3A is on the minus strand). VCF-style: chr2-165147025-A-T. GRCh37 (hg19) VCF-style: chr2-166003535-A-T.
Other names: c.1385T>A, p.Val462Asp (NM_001081676.2, NM_001081677.2); short protein forms V462D.
Identifiers: ClinVar variation 661090 (VCV000661090.1), dbSNP rs1574220239, ClinGen allele CA349237014.

ClinVar aggregate classification (germline): Uncertain significance (1 of 4 stars; one submission).

Submission:

Labcorp Genetics (formerly Invitae), Labcorp
Classification: Uncertain significance. Last evaluated: 2018-12-07. Review status: criteria provided, single submitter. Criteria: Invitae Variant Classification Sherloc (09022015). Collection method: clinical testing. Allele origin: germline.
Comment: This sequence change replaces valine with aspartic acid at codon 462 of the SCN3A protein (p.Val462Asp). The valine residue is highly conserved and there is a large physicochemical difference between valine and aspartic acid. This variant is not present in population databases (ExAC no frequency). This variant has not been reported in the literature in individuals with SCN3A-related disease. Algorithms developed to predict the effect of missense changes on protein structure and function are either unavailable or do not agree on the potential impact of this missense change (SIFT: "Deleterious"; PolyPhen-2: "Probably Damaging"; Align-GVGD: "Class C0"). In summary, the available evidence is currently insufficient to determine the role of this variant in disease. Therefore, it has been classified as a Variant of Uncertain Significance.